The following is an entry in ClinVar:

NM_000051.4(ATM):c.4957C>T (p.Gln1653Ter)

Gene: ATM (ATM serine/threonine kinase; plus strand). Cytogenetic location: 11q22.3.
Variant type: single nucleotide variant.
Coding change: c.4957C>T on transcript NM_000051.4 (MANE Select); coding-DNA position 4957, C replaced by T.
Protein change: p.Gln1653Ter; replaces glutamine 1653 with a stop codon.
Molecular consequence: nonsense.
Genome position (GRCh38, 1-based): chr11:108,297,334, C>T. VCF-style: chr11-108297334-C-T. GRCh37 (hg19) VCF-style: chr11-108168061-C-T.
Other names: c.4957C>T, p.Gln1653Ter (NM_001351834.2); short protein forms Q1653*.
Identifiers: ClinVar variation 569688 (VCV000569688.10), dbSNP rs1565469955, ClinGen allele CA382538292.

ClinVar aggregate classification (germline): Pathogenic. Review status: criteria provided, multiple submitters, no conflicts (2 of 4 stars). 4 submissions from 4 submitters: Pathogenic (4). Last evaluated 2026-07-14.

Conditions:
Familial cancer of breast. Also called: Hereditary breast cancer; BREAST CANCER, FAMILIAL; hereditary breast carcinoma. Identifiers: Orphanet 227535, MedGen C0346153, MONDO:0016419, OMIM 114480. Disease mechanism: loss of function.
Hereditary cancer-predisposing syndrome. Also called: Hereditary Cancer Syndrome; Hereditary neoplastic syndrome; Neoplastic Syndromes, Hereditary; Tumor predisposition. Identifiers: Orphanet 140162, MedGen C0027672, MeSH D009386, MONDO:0015356.
Ataxia-telangiectasia syndrome (AT). Also called: Ataxia-telangiectasia, complementation group E; Ataxia telangiectasia (A-T); LOUIS-BAR SYNDROME; Cerebello-oculocutaneous telangiectasia; Immunodeficiency with ataxia telangiectasia; AT, COMPLEMENTATION GROUP C. Identifiers: Orphanet 100, MedGen C0004135, MONDO:0008840, OMIM 208900.
Malignant tumor of breast. Also called: Malignant breast neoplasm; Cancer breast. Identifiers: MedGen C0006142, MONDO:0007254. Disease mechanism: loss of function.

Submissions (4):

Myriad Genetics, Inc.
Classification: Pathogenic for Familial cancer of breast. Last evaluated: 2026-07-14. Review status: criteria provided, single submitter. Criteria: Myriad Autosomal Dominant, Autosomal Recessive and X-Linked Classification Criteria (2023). Collection method: clinical testing. Allele origin: unknown.
Comment: This variant is considered pathogenic. This variant creates a termination codon and is predicted to result in premature protein truncation.

Ambry Genetics
Classification: Pathogenic for Hereditary cancer-predisposing syndrome. Last evaluated: 2026-07-09. Review status: criteria provided, single submitter. Criteria: Ambry Variant Classification Scheme 2023. Collection method: clinical testing. Allele origin: germline.
Comment: The p.Q1653* pathogenic mutation (also known as c.4957C>T), located in coding exon 32 of the ATM gene, results from a C to T substitution at nucleotide position 4957. This changes the amino acid from a glutamine to a stop codon within coding exon 32. This variant is considered to be rare based on population cohorts in the Genome Aggregation Database (gnomAD). This alteration is expected to result in loss of function by premature protein truncation or nonsense-mediated mRNA decay. As such, this alteration is interpreted as a disease-causing mutation.

Labcorp Genetics (formerly Invitae), Labcorp
Classification: Pathogenic for Ataxia-telangiectasia syndrome. Last evaluated: 2025-02-10. Review status: criteria provided, single submitter. Criteria: Invitae Variant Classification Sherloc (09022015). Collection method: clinical testing. Allele origin: germline.
Comment: This sequence change creates a premature translational stop signal (p.Gln1653*) in the ATM gene. It is expected to result in an absent or disrupted protein product. Loss-of-function variants in ATM are known to be pathogenic (PMID: 23807571, 25614872). This variant is not present in population databases (gnomAD no frequency). This variant has not been reported in the literature in individuals affected with ATM-related conditions. ClinVar contains an entry for this variant (Variation ID: 569688). Algorithms developed to predict the effect of sequence changes on RNA splicing suggest that this variant may disrupt the consensus splice site. For these reasons, this variant has been classified as Pathogenic.

Women's Health and Genetics/Laboratory Corporation of America, LabCorp
Classification: Pathogenic for Malignant tumor of breast. Last evaluated: 2023-12-14. Review status: criteria provided, single submitter. Criteria: LabCorp Variant Classification Summary - May 2015. Collection method: clinical testing. Allele origin: germline.
Comment: Variant summary: ATM c.4957C>T (p.Gln1653X) results in a premature termination codon, predicted to cause absence of the protein due to nonsense mediated decay, which is a commonly known mechanism for disease. The variant was absent in 251008 control chromosomes (gnomAD). To our knowledge, no occurrence of c.4957C>T in individuals affected with Breast Cancer and no experimental evidence demonstrating its impact on protein function have been reported. One submitter has cited a clinical-significance assessment for this variant to ClinVar after 2014 and has classified the variant as pathogenic. Based on the evidence outlined above, the variant was classified as pathogenic.

Literature cited by the submitters: PubMed 23807571 (cited by Labcorp Genetics (formerly Invitae), Labcorp); PubMed 25614872 (cited by Labcorp Genetics (formerly Invitae), Labcorp).